The following is an entry in ClinVar:

NM_001170535.3(ATAD3A):c.658C>T (p.Gln220Ter)

Gene: ATAD3A (ATPase family AAA domain containing 3A; plus strand). Cytogenetic location: 1p36.33.
Variant type: single nucleotide variant.
Coding change: c.658C>T on transcript NM_001170535.3 (MANE Select); coding-DNA position 658, C replaced by T.
Protein change: p.Gln220Ter; replaces glutamine 220 with a stop codon.
Molecular consequence: nonsense.
Genome position (GRCh38, 1-based): chr1:1,520,284, C>T. VCF-style: chr1-1520284-C-T. GRCh37 (hg19) VCF-style: chr1-1455664-C-T.
Other names: c.421C>T, p.Gln141Ter (NM_001170536.3); c.802C>T, p.Gln268Ter (NM_018188.5); short protein forms Q268*, Q220*, Q141*.
Identifiers: ClinVar variation 452211 (VCV000452211.5), dbSNP rs755120064, ClinGen allele CA525884.

ClinVar aggregate classification (germline): Likely pathogenic (1 of 4 stars; one submission).

Allele frequency attached by ClinVar (database versions not stated): gnomAD exomes below 0.00001 and 0.00001; ExAC 0.00001.
gnomAD v4.1: 2 of 1,613,130 alleles (0.00012%); highest among the groups gnomAD compares: South Asian, 0.0011%; no homozygotes.

Submission:

GeneDx
Classification: Likely pathogenic. Last evaluated: 2023-10-21. Review status: criteria provided, single submitter. Criteria: GeneDx Variant Classification Process June 2021. Collection method: clinical testing. Allele origin: germline. Affected: yes.
Comment: Nonsense variant predicted to result in protein truncation or nonsense mediated decay in a gene for which loss of function is a known mechanism of disease; Has not been previously published as pathogenic or benign to our knowledge